The following is an entry in ClinVar:

NM_017617.5(NOTCH1):c.186G>C (p.Pro62=)

Gene: NOTCH1 (notch receptor 1; minus strand). Cytogenetic location: 9q34.3.
Variant type: single nucleotide variant.
Coding change: c.186G>C on transcript NM_017617.5 (MANE Select); coding-DNA position 186, G replaced by C.
Protein change: p.Pro62=; no amino-acid change (proline 62 retained).
Molecular consequence: synonymous variant.
Genome position (GRCh38, 1-based): chr9:136,523,934, C>G on the plus strand (G>C on the coding strand, the complement: NOTCH1 is on the minus strand). VCF-style: chr9-136523934-C-G. GRCh37 (hg19) VCF-style: chr9-139418386-C-G.
Other names: c.186G>C, p.Pro62= (LRG_1122t1).
Identifiers: ClinVar variation 415434 (VCV000415434.82), dbSNP rs374320445, ClinGen allele CA5342231.

ClinVar aggregate classification (germline): Benign/Likely benign. Review status: criteria provided, multiple submitters, no conflicts (2 of 4 stars). 12 submissions from 11 submitters: Benign (5); Likely benign (7). Last evaluated 2026-07-01.

Conditions:
Aortic valve disease 1 (AOVD1). Identifiers: MedGen C3887892, MONDO:0024523, OMIM 109730.
Familial thoracic aortic aneurysm and aortic dissection (TAAD). Also called: Thoracic aortic aneurysms and dissections. Identifiers: Orphanet 91387, MedGen C4707243, MONDO:0019625.
Connective tissue disorder. Also called: Connective tissue disease. Identifiers: MedGen C0009782, MONDO:0003900.
Adams-Oliver syndrome 5 (AOS5). Identifiers: Orphanet 974, MedGen C4014970, MONDO:0014459, OMIM 616028.

Allele frequency attached by ClinVar (database versions not stated): 1000 Genomes Project 30x 0.00016; 1000 Genomes Project 0.00020; gnomAD 0.00031 and 0.00033; TOPMed 0.00031.
gnomAD v4.1: 604 of 1,587,204 alleles (0.038%); highest among the groups gnomAD compares: Middle Eastern, 0.6%; 2 homozygotes.

Submissions (12):

CeGaT Center for Human Genetics Tuebingen
Classification: Likely benign. Last evaluated: 2026-07-01. Review status: criteria provided, single submitter. Criteria: CeGaT Center For Human Genetics Tuebingen Variant Classification Criteria Version 2. Collection method: clinical testing. Allele origin: germline. Affected: yes. Observed: 5 variant alleles.
Comment: NOTCH1: BP4, BP7

Labcorp Genetics (formerly Invitae), Labcorp
Classification: Benign for Adams-Oliver syndrome 5. Last evaluated: 2026-02-01. Review status: criteria provided, single submitter. Criteria: Invitae Variant Classification Sherloc (09022015). Collection method: clinical testing. Allele origin: germline.

ARUP Laboratories, Molecular Genetics and Genomics, ARUP Laboratories
Classification: Likely benign. Last evaluated: 2025-07-15. Review status: criteria provided, single submitter. Criteria: ARUP Molecular Germline Variant Investigation Process 2024. Collection method: clinical testing. Allele origin: germline.

Blueprint Genetics
Classification: Likely benign. Last evaluated: 2024-09-02. Review status: criteria provided, single submitter. Criteria: ACMG Guidelines, 2015. Collection method: clinical testing. Allele origin: germline.

Women's Health and Genetics/Laboratory Corporation of America, LabCorp
Classification: Benign. Last evaluated: 2023-07-21. Review status: criteria provided, single submitter. Criteria: LabCorp Variant Classification Summary - May 2015. Collection method: clinical testing. Allele origin: germline.

Genome-Nilou Lab
Classification: Benign for Adams-Oliver syndrome 5. Last evaluated: 2022-03-15. Review status: criteria provided, single submitter. Criteria: ACMG Guidelines, 2015. Collection method: clinical testing. Allele origin: germline. Affected: no.

Genome-Nilou Lab
Classification: Benign for Aortic valve disease 1. Last evaluated: 2022-03-15. Review status: criteria provided, single submitter. Criteria: ACMG Guidelines, 2015. Collection method: clinical testing. Allele origin: germline. Affected: no.

GeneDx
Classification: Likely benign. Last evaluated: 2021-09-24. Review status: criteria provided, single submitter. Criteria: GeneDx Variant Classification Process June 2021. Collection method: clinical testing. Allele origin: germline. Affected: yes.

Ambry Genetics
Classification: Likely benign for Familial thoracic aortic aneurysm and aortic dissection. Last evaluated: 2018-12-31. Review status: criteria provided, single submitter. Criteria: Ambry Variant Classification Scheme 2023. Collection method: clinical testing. Allele origin: germline.

Center for Human Genetics, Inc
Classification: Likely benign for Connective tissue disorder. Last evaluated: 2018-06-01. Review status: criteria provided, single submitter. Criteria: ACMG Guidelines, 2015. Collection method: clinical testing. Allele origin: germline. Affected: yes.

CHEO Genetics Diagnostic Laboratory, Children's Hospital of Eastern Ontario
Classification: Benign for Familial thoracic aortic aneurysm and aortic dissection. Last evaluated: 2018-02-02. Review status: criteria provided, single submitter. Criteria: ACMG Guidelines, 2015. Collection method: clinical testing. Allele origin: germline.

Breakthrough Genomics
Classification: Likely benign. Review status: criteria provided, single submitter. Criteria: ACMG Guidelines, 2015. Collection method: not provided. Allele origin: germline. Inheritance: Autosomal dominant inheritance. Affected: yes.